The following is an entry in ClinVar:

ClinVar aggregate classification (germline): Uncertain significance. Review status: criteria provided, multiple submitters, no conflicts (2 of 4 stars). 3 submissions from 3 submitters: Uncertain significance (3). Last evaluated 2024-12-16.

Conditions:
Inborn genetic diseases. Identifiers: MedGen C0950123, MeSH D030342.
Muscular dystrophy-dystroglycanopathy (congenital with brain and eye anomalies), type a, 12 (MDDGA12). Also called: WALKER-WARBURG SYNDROME OR MUSCLE-EYE-BRAIN DISEASE, POMK-RELATED. Identifiers: Orphanet 899, MedGen C3808964, MONDO:0014101, OMIM 615249.
Limb-girdle muscular dystrophy due to POMK deficiency. Also called: Muscular dystrophy-dystroglycanopathy (limb-girdle), type c, 12; MUSCULAR DYSTROPHY-DYSTROGLYCANOPATHY, LIMB-GIRDLE, POMK-RELATED. Identifiers: Orphanet 445110, MedGen C4015184, MONDO:0014489, OMIM 616094.

Allele frequency attached by ClinVar (database versions not stated): gnomAD 0.00001; ExAC 0.00002; gnomAD exomes 0.00002 and 0.00004; TOPMed 0.00002.
gnomAD v4.1: 36 of 1,614,018 alleles (0.0022%); highest among the groups gnomAD compares: Admixed American, 0.022%; no homozygotes.

Submissions (3):

Ambry Genetics
Classification: Uncertain significance for Inborn genetic diseases. Last evaluated: 2024-12-16. Review status: criteria provided, single submitter. Criteria: Ambry Variant Classification Scheme 2023. Collection method: clinical testing. Allele origin: germline.

Labcorp Genetics (formerly Invitae), Labcorp
Classification: Uncertain significance for Muscular dystrophy-dystroglycanopathy (congenital with brain and eye anomalies), type a, 12; Limb-girdle muscular dystrophy due to POMK deficiency. Last evaluated: 2022-07-19. Review status: criteria provided, single submitter. Criteria: Invitae Variant Classification Sherloc (09022015). Collection method: clinical testing. Allele origin: germline.
Comment: This sequence change replaces aspartic acid, which is acidic and polar, with glycine, which is neutral and non-polar, at codon 207 of the POMK protein (p.Asp207Gly). This variant is present in population databases (rs770018377, gnomAD 0.02%). This variant has not been reported in the literature in individuals affected with POMK-related conditions. ClinVar contains an entry for this variant (Variation ID: 843307). Algorithms developed to predict the effect of missense changes on protein structure and function are either unavailable or do not agree on the potential impact of this missense change (SIFT: "Deleterious"; PolyPhen-2: "Probably Damaging"; Align-GVGD: "Class C0"). In summary, the available evidence is currently insufficient to determine the role of this variant in disease. Therefore, it has been classified as a Variant of Uncertain Significance.

Revvity Omics, Revvity
Classification: Uncertain significance. Last evaluated: 2021-09-23. Review status: criteria provided, single submitter. Criteria: ACMG Guidelines, 2015. Collection method: clinical testing. Allele origin: germline.

NM_032237.5(POMK):c.620A>G (p.Asp207Gly)

Gene: POMK (protein O-mannose kinase; plus strand). Cytogenetic location: 8p11.21.
Variant type: single nucleotide variant.
Coding change: c.620A>G on transcript NM_032237.5 (MANE Select); coding-DNA position 620, A replaced by G.
Protein change: p.Asp207Gly; replaces aspartic acid 207 with glycine.
Molecular consequence: missense variant.
Genome position (GRCh38, 1-based): chr8:43,122,444, A>G. VCF-style: chr8-43122444-A-G. GRCh37 (hg19) VCF-style: chr8-42977587-A-G.
Other names: c.620A>G, p.Asp207Gly (NM_001277971.2); c.620A>G (NM_032237.3); short protein forms D207G.
Identifiers: ClinVar variation 843307 (VCV000843307.8), dbSNP rs770018377, ClinGen allele CA4736324.